The following is an entry in ClinVar:

ClinVar aggregate classification (germline): Uncertain significance (1 of 4 stars; one submission).

gnomAD v4.1: 3 of 1,614,110 alleles (0.00019%); highest among the groups gnomAD compares: South Asian, 0.0011%; no homozygotes.

Submission:

Ambry Genetics
Classification: Uncertain significance. Last evaluated: 2025-01-14. Review status: criteria provided, single submitter. Criteria: Ambry Variant Classification Scheme 2023. Collection method: clinical testing. Allele origin: germline.
Comment: The p.R1095S variant (also known as c.3285A>C), located in coding exon 1 of the TET2 gene, results from an A to C substitution at nucleotide position 3285. The arginine at codon 1095 is replaced by serine, an amino acid with dissimilar properties. This amino acid position is conserved. In addition, this alteration is predicted to be tolerated by in silico analysis. Based on the available evidence, the clinical significance of this variant remains unclear.

NM_001127208.3(TET2):c.3285A>C (p.Arg1095Ser)

Genes: TET2 (tet methylcytosine dioxygenase 2; plus strand), TET2-AS1 (TET2 antisense RNA 1; minus strand). Cytogenetic location: 4q24.
Variant type: single nucleotide variant.
Coding change: c.3285A>C on transcript NM_001127208.3 (MANE Select); coding-DNA position 3285, A replaced by C.
Protein change: p.Arg1095Ser; replaces arginine 1095 with serine.
Molecular consequence: missense variant.
Genome position (GRCh38, 1-based): chr4:105,237,227, A>C. VCF-style: chr4-105237227-A-C. GRCh37 (hg19) VCF-style: chr4-106158384-A-C.
Other names: c.3285A>C, p.Arg1095Ser (NM_017628.4); short protein forms R1095S.
Identifiers: ClinVar variation 3805961 (VCV003805961.1).